The following is an entry in ClinVar:

ClinVar aggregate classification (germline): Uncertain significance (1 of 4 stars; one submission).

Conditions:
Immunodeficiency. Identifiers: MedGen C0021051, MONDO:0021094, HP:0002721.

Submission:

Labcorp Genetics (formerly Invitae), Labcorp
Classification: Uncertain significance for Immunodeficiency. Last evaluated: 2024-06-11. Review status: criteria provided, single submitter. Criteria: Invitae Variant Classification Sherloc (09022015). Collection method: clinical testing. Allele origin: germline.
Comment: This sequence change replaces valine, which is neutral and non-polar, with isoleucine, which is neutral and non-polar, at codon 653 of the NFAT5 protein (p.Val653Ile). This variant is not present in population databases (gnomAD no frequency). This variant has not been reported in the literature in individuals affected with NFAT5-related conditions. Algorithms developed to predict the effect of missense changes on protein structure and function output the following: SIFT: "Not Available"; PolyPhen-2: "Benign"; Align-GVGD: "Not Available". The isoleucine amino acid residue is found in multiple mammalian species, which suggests that this missense change does not adversely affect protein function. In summary, the available evidence is currently insufficient to determine the role of this variant in disease. Therefore, it has been classified as a Variant of Uncertain Significance.

NM_138713.4(NFAT5):c.2239G>A (p.Val747Ile)

Gene: NFAT5 (nuclear factor of activated T cells 5; plus strand). Cytogenetic location: 16q22.1.
Variant type: single nucleotide variant.
Coding change: c.2239G>A on transcript NM_138713.4 (MANE Select); coding-DNA position 2239, G replaced by A.
Protein change: p.Val747Ile; replaces valine 747 with isoleucine.
Molecular consequence: missense variant.
Genome position (GRCh38, 1-based): chr16:69,692,064, G>A. VCF-style: chr16-69692064-G-A. GRCh37 (hg19) VCF-style: chr16-69725967-G-A.
Other names: c.2236G>A, p.Val746Ile (NM_001113178.3); c.1564G>A, p.Val522Ile (NM_001367709.1); c.2185G>A, p.Val729Ile (NM_006599.4); c.1957G>A, p.Val653Ile (NM_138714.4, NM_173214.3, NM_173215.3); short protein forms V729I, V522I, V653I, V746I, V747I.
Identifiers: ClinVar variation 3656299 (VCV003656299.2).